The following is an entry in ClinVar:

ClinVar aggregate classification (germline): Uncertain significance (1 of 4 stars; one submission).

Submission:

Labcorp Genetics (formerly Invitae), Labcorp
Classification: Uncertain significance. Last evaluated: 2025-03-06. Review status: criteria provided, single submitter. Criteria: Invitae Variant Classification Sherloc (09022015). Collection method: clinical testing. Allele origin: germline.
Comment: This sequence change replaces isoleucine, which is neutral and non-polar, with threonine, which is neutral and polar, at codon 1498 of the SAMD9 protein (p.Ile1498Thr). This variant is not present in population databases (gnomAD no frequency). This missense change has been observed in individual(s) with combined immunodeficiency (PMID: 32185379). Invitae Evidence Modeling of protein sequence and biophysical properties (such as structural, functional, and spatial information, amino acid conservation, physicochemical variation, residue mobility, and thermodynamic stability) has been performed for this missense variant. However, the output from this modeling did not meet the statistical confidence thresholds required to predict the impact of this variant on SAMD9 protein function. In summary, the available evidence is currently insufficient to determine the role of this variant in disease. Therefore, it has been classified as a Variant of Uncertain Significance.

Literature cited by the submitters: PubMed 32185379.

NM_017654.4(SAMD9):c.4493T>C (p.Ile1498Thr)

Gene: SAMD9 (sterile alpha motif domain containing 9; minus strand). Cytogenetic location: 7q21.2.
Variant type: single nucleotide variant.
Coding change: c.4493T>C on transcript NM_017654.4 (MANE Select); coding-DNA position 4493, T replaced by C.
Protein change: p.Ile1498Thr; replaces isoleucine 1498 with threonine.
Molecular consequence: missense variant.
Genome position (GRCh38, 1-based): chr7:93,101,605, A>G on the plus strand (T>C on the coding strand, the complement: SAMD9 is on the minus strand). VCF-style: chr7-93101605-A-G. GRCh37 (hg19) VCF-style: chr7-92730918-A-G.
Other names: c.4493T>C, p.Ile1498Thr (NM_001193307.2); short protein forms I1498T.
Identifiers: ClinVar variation 4698266 (VCV004698266.1).